The following is an entry in ClinVar:

ClinVar aggregate classification (germline): Uncertain significance. Review status: criteria provided, multiple submitters, no conflicts (2 of 4 stars). 2 submissions from 2 submitters: Uncertain significance (2). Last evaluated 2024-10-23.

Conditions:
Episodic pain syndrome, familial, 2 (FEPS2). Identifiers: Orphanet 306577, MedGen C3809893, MONDO:0014246, OMIM 615551.
Brugada syndrome. Also called: Sudden unexplained nocturnal death syndrome; Sudden Unexplained Death Syndrome; Sudden Unexplained Nocturnal Death Syndrome (SUNDS); Sudden unexpected nocturnal death syndrome. Identifiers: Orphanet 130, MedGen C1142166, MONDO:0015263.

Allele frequency attached by ClinVar (database versions not stated): ExAC 0.00001; TOPMed 0.00001; gnomAD exomes 0.00002.
gnomAD v4.1: 17 of 1,614,114 alleles (0.0011%); highest among the groups gnomAD compares: East Asian, 0.0022%; no homozygotes.

Submissions (2):

Labcorp Genetics (formerly Invitae), Labcorp
Classification: Uncertain significance for Brugada syndrome. Last evaluated: 2024-10-23. Review status: criteria provided, single submitter. Criteria: Invitae Variant Classification Sherloc (09022015). Collection method: clinical testing. Allele origin: germline.
Comment: This sequence change creates a premature translational stop signal (p.Arg817*) in the SCN10A gene. It is expected to result in an absent or disrupted protein product. However, the current clinical and genetic evidence is not sufficient to establish whether loss-of-function variants in SCN10A cause disease. This variant is present in population databases (rs763084100, gnomAD 0.006%). This variant has not been reported in the literature in individuals affected with SCN10A-related conditions. ClinVar contains an entry for this variant (Variation ID: 225464). In summary, the available evidence is currently insufficient to determine the role of this variant in disease. Therefore, it has been classified as a Variant of Uncertain Significance.

Soonchunhyang University Bucheon Hospital, Soonchunhyang University Medical Center
Classification: Uncertain significance for Episodic pain syndrome, familial, 2. Last evaluated: 2016-03-18. Review status: criteria provided, single submitter. Criteria: ACMG Guidelines, 2015. Collection method: reference population. Allele origin: germline. Observed: 1 variant allele.

Literature cited by the submitters: PubMed 23115331 (cited by Soonchunhyang University Bucheon Hospital, Soonchunhyang University Medical Center).

NM_006514.4(SCN10A):c.2449C>T (p.Arg817Ter)

Gene: SCN10A (sodium voltage-gated channel alpha subunit 10; minus strand). Cytogenetic location: 3p22.2.
Variant type: single nucleotide variant.
Coding change: c.2449C>T on transcript NM_006514.4 (MANE Select); coding-DNA position 2449, C replaced by T.
Protein change: p.Arg817Ter; replaces arginine 817 with a stop codon.
Molecular consequence: nonsense.
Genome position (GRCh38, 1-based): chr3:38,728,733, G>A on the plus strand (C>T on the coding strand, the complement: SCN10A is on the minus strand). VCF-style: chr3-38728733-G-A. GRCh37 (hg19) VCF-style: chr3-38770224-G-A.
Other names: c.2449C>T, p.Arg817Ter (NM_001293306.2); c.2155C>T, p.Arg719Ter (NM_001293307.2); short protein forms R817*, R719*.
Identifiers: ClinVar variation 225464 (VCV000225464.5), dbSNP rs763084100, ClinGen allele CA2320540.